The following is an entry in ClinVar:

NM_000476.3(AK1):c.117C>G (p.Thr39=)

Genes: AK1 (adenylate kinase 1; minus strand), ST6GALNAC4-ST6GALNAC6-AK1 (ST6GALNAC4-ST6GALNAC6-AK1 readthrough; minus strand). Cytogenetic location: 9q34.11.
Variant type: single nucleotide variant.
Coding change: c.117C>G on transcript NM_000476.3 (MANE Select); coding-DNA position 117, C replaced by G.
Protein change: p.Thr39=; no amino-acid change (threonine 39 retained).
Molecular consequence: synonymous variant. On other transcripts: non-coding transcript variant (8).
Genome position (GRCh38, 1-based): chr9:127,872,780, G>C on the plus strand (C>G on the coding strand, the complement: AK1 is on the minus strand). VCF-style: chr9-127872780-G-C. GRCh37 (hg19) VCF-style: chr9-130635059-G-C.
Other names: c.117C>G, p.Thr39= (NM_001318121.1); c.165C>G, p.Thr55= (NM_001318122.2).
Identifiers: ClinVar variation 3715732 (VCV003715732.8).

ClinVar aggregate classification (germline): Likely benign. Review status: criteria provided, multiple submitters, no conflicts (2 of 4 stars). 2 submissions from 2 submitters: Likely benign (2). Last evaluated 2025-11-01.

gnomAD v4.1: 273 of 1,613,978 alleles (0.017%); highest among the groups gnomAD compares: Non-Finnish European, 0.022%; no homozygotes.

Submissions (2):

CeGaT Center for Human Genetics Tuebingen
Classification: Likely benign. Last evaluated: 2025-11-01. Review status: criteria provided, single submitter. Criteria: CeGaT Center For Human Genetics Tuebingen Variant Classification Criteria Version 2. Collection method: clinical testing. Allele origin: germline. Affected: yes. Observed: 1 variant allele.
Comment: AK1: BP4, BP7

Labcorp Genetics (formerly Invitae), Labcorp
Classification: Likely benign. Last evaluated: 2025-01-27. Review status: criteria provided, single submitter. Criteria: Invitae Variant Classification Sherloc (09022015). Collection method: clinical testing. Allele origin: germline.